The following is an entry in ClinVar:

ClinVar aggregate classification (germline): Uncertain significance (1 of 4 stars; one submission).

Conditions:
Colorectal cancer, hereditary nonpolyposis, type 7. Identifiers: Orphanet 144, MedGen C1858380, MONDO:0013725, OMIM 614385.

Submission:

Labcorp Genetics (formerly Invitae), Labcorp
Classification: Uncertain significance for Colorectal cancer, hereditary nonpolyposis, type 7. Last evaluated: 2021-06-18. Review status: criteria provided, single submitter. Criteria: Invitae Variant Classification Sherloc (09022015). Collection method: clinical testing. Allele origin: germline.
Comment: In summary, the available evidence is currently insufficient to determine the role of this variant in disease. Therefore, it has been classified as a Variant of Uncertain Significance. Algorithms developed to predict the effect of sequence changes on RNA splicing suggest that this variant may create or strengthen a splice site, but this prediction has not been confirmed by published transcriptional studies. Algorithms developed to predict the effect of missense changes on protein structure and function are either unavailable or do not agree on the potential impact of this missense change (SIFT: "Deleterious"; PolyPhen-2: "Probably Damaging"; Align-GVGD: "Class C0"). This variant has not been reported in the literature in individuals with MLH3-related conditions. This variant is not present in population databases (ExAC no frequency). This sequence change replaces phenylalanine with valine at codon 152 of the MLH3 protein (p.Phe152Val). The phenylalanine residue is highly conserved and there is a small physicochemical difference between phenylalanine and valine.

NM_001040108.2(MLH3):c.454T>G (p.Phe152Val)

Gene: MLH3 (mutL homolog 3; minus strand). Cytogenetic location: 14q24.3.
Variant type: single nucleotide variant.
Coding change: c.454T>G on transcript NM_001040108.2 (MANE Select); coding-DNA position 454, T replaced by G.
Protein change: p.Phe152Val; replaces phenylalanine 152 with valine.
Molecular consequence: missense variant.
Genome position (GRCh38, 1-based): chr14:75,049,202, A>C on the plus strand (T>G on the coding strand, the complement: MLH3 is on the minus strand). VCF-style: chr14-75049202-A-C. GRCh37 (hg19) VCF-style: chr14-75515905-A-C.
Other names: c.454T>G, p.Phe152Val (NM_014381.3); short protein forms F152V.
Identifiers: ClinVar variation 1361970 (VCV001361970.8), dbSNP rs750745575, ClinGen allele CA390450197.